The following is an entry in ClinVar:

ClinVar aggregate classification (germline): Benign/Likely benign. Review status: criteria provided, multiple submitters, no conflicts (2 of 4 stars). 12 submissions from 12 submitters: Benign (5); Likely benign (4). 3 of the submissions do not count toward it. Last evaluated 2026-01-31.

Conditions:
Ceroid lipofuscinosis, neuronal, 6B (Kufs type). Also called: Neuronal ceroid lipofuscinosis 4A. Identifiers: Orphanet 700477, MedGen C5561927, MONDO:0008768, OMIM 204300.
Inborn genetic diseases. Identifiers: MedGen C0950123, MeSH D030342.
Neuronal ceroid lipofuscinosis. Also called: Neuronal Ceroid Lipofuscinoses. Identifiers: Orphanet 216, Orphanet 79263, MedGen C0027877, MONDO:0016295. Disease mechanism: loss of function.

Allele frequency attached by ClinVar (database versions not stated): TOPMed 0.00135; gnomAD 0.00140; 1000 Genomes Project 0.00579; 1000 Genomes Project 30x 0.00609.
gnomAD v4.1: 2,051 of 1,613,736 alleles (0.13%); highest among the groups gnomAD compares: South Asian, 1.6%; 32 homozygotes.

Submissions (14):

Labcorp Genetics (formerly Invitae), Labcorp
Classification: Benign for Neuronal ceroid lipofuscinosis. Last evaluated: 2026-01-31. Review status: criteria provided, single submitter. Criteria: Invitae Variant Classification Sherloc (09022015). Collection method: clinical testing. Allele origin: germline.

CeGaT Center for Human Genetics Tuebingen
Classification: Benign. Last evaluated: 2024-01-01. Review status: criteria provided, single submitter. Criteria: CeGaT Center For Human Genetics Tuebingen Variant Classification Criteria Version 2. Collection method: clinical testing. Allele origin: germline. Affected: yes. Observed: 2 variant alleles.
Comment: CLN6: BS1, BS2

Women's Health and Genetics/Laboratory Corporation of America, LabCorp
Classification: Likely benign. Last evaluated: 2022-05-03. Review status: criteria provided, single submitter. Criteria: LabCorp Variant Classification Summary - May 2015. Collection method: clinical testing. Allele origin: germline.

Ambry Genetics
Classification: Likely benign for Inborn genetic diseases. Last evaluated: 2019-02-15. Review status: criteria provided, single submitter. Criteria: Ambry Variant Classification Scheme 2023. Collection method: clinical testing. Allele origin: germline.

GeneDx
Classification: Benign. Last evaluated: 2017-12-07. Review status: criteria provided, single submitter. Criteria: GeneDx Variant Classification (06012015). Collection method: clinical testing. Allele origin: germline. Affected: yes.
Comment: This variant is considered likely benign or benign based on one or more of the following criteria: it is a conservative change, it occurs at a poorly conserved position in the protein, it is predicted to be benign by multiple in silico algorithms, and/or has population frequency not consistent with disease.

Illumina Laboratory Services, Illumina
Classification: Benign for Neuronal ceroid lipofuscinosis. Last evaluated: 2017-08-30. Review status: criteria provided, single submitter. Criteria: ICSL Variant Classification Criteria 13 December 2019. Collection method: clinical testing. Allele origin: germline.
Comment: This variant was observed as part of a predisposition screen in an ostensibly healthy population. A literature search was performed for the gene, cDNA change, and amino acid change (where applicable). Publications were found based on this search. The evidence from the literature, in combination with allele frequency data from public databases where available, was sufficient to rule this variant out of causing disease. Therefore, this variant is classified as benign.

Athena Diagnostics
Classification: Likely benign. Last evaluated: 2016-06-23. Review status: criteria provided, single submitter. Criteria: Athena Diagnostics Criteria. Collection method: clinical testing. Allele origin: germline.

Eurofins Ntd Llc (ga)
Classification: Likely benign. Last evaluated: 2015-11-06. Review status: criteria provided, single submitter. Criteria: EGL Classification Definitions 2015. Collection method: clinical testing. Allele origin: germline. Observed: 6 variant alleles, 6 heterozygotes.

Broad Center for Mendelian Genomics, Broad Institute of MIT and Harvard
Classification: Benign for Ceroid lipofuscinosis, neuronal, 6B (Kufs type). Review status: criteria provided, single submitter. Criteria: ACMG Guidelines, 2015. Collection method: research. Allele origin: germline. Inheritance: Autosomal recessive inheritance. Affected: yes.
Comment: The heterozygous p.Glu72Gln variant in GLN6 has been identified in at least 1 Indian individual with late infantile neuronal ceroid lipofuscinosis (PMID: 12815591), but has also been identified in >1% of South Asian chromosomes and 4 homozygotes by ExAC. In summary, this variant meets criteria to be classified as benign for autosomal recessive late infantile neuronal ceroid lipofuscinosis.

Clinical Genetics DNA and cytogenetics Diagnostics Lab, Erasmus MC, Erasmus Medical Center
Classification: Benign. Review status: no assertion criteria provided. Collection method: clinical testing. Allele origin: germline. Affected: yes. Study: VKGL Data-share Consensus. Not counted in ClinVar's aggregate classification.

Dr. Peter K. Rogan Lab, Western University
No classification provided (evidence only). Condition: Thyroid cancer, nonmedullary, 1. Review status: no classification provided. Collection method: in vitro. Allele origin: not applicable. Functional consequence: retained intron. Not counted in ClinVar's aggregate classification.

Dr. Peter K. Rogan Lab, Western University
No classification provided (evidence only). Condition: Germ cell tumor of testis. Review status: no classification provided. Collection method: in vitro. Allele origin: not applicable. Functional consequence: skipped exon, retained intron. Not counted in ClinVar's aggregate classification.

Genome Diagnostics Laboratory, University Medical Center Utrecht
Classification: Likely benign. Review status: no assertion criteria provided. Collection method: clinical testing. Allele origin: germline. Affected: yes. Study: VKGL Data-share Consensus. Not counted in ClinVar's aggregate classification.

Laboratory of Diagnostic Genome Analysis, Leiden University Medical Center (LUMC)
Classification: Likely benign. Review status: no assertion criteria provided. Collection method: clinical testing. Allele origin: germline. Affected: yes. Study: VKGL Data-share Consensus. Not counted in ClinVar's aggregate classification.

Literature cited by the submitters: PubMed 12815591 (cited by 4 submitters); PubMed 14997940 (cited by Ambry Genetics); PubMed 27535533 (cited by Ambry Genetics); PubMed 30285654 (cited by Ambry Genetics).

NM_017882.3(CLN6):c.214G>C (p.Glu72Gln)

Gene: CLN6 (CLN6 transmembrane ER protein; minus strand). Cytogenetic location: 15q23.
Variant type: single nucleotide variant.
Coding change: c.214G>C on transcript NM_017882.3 (MANE Select); coding-DNA position 214, G replaced by C.
Protein change: p.Glu72Gln; replaces glutamic acid 72 with glutamine.
Molecular consequence: missense variant.
Genome position (GRCh38, 1-based): chr15:68,214,373, C>G on the plus strand (G>C on the coding strand, the complement: CLN6 is on the minus strand). VCF-style: chr15-68214373-C-G. GRCh37 (hg19) VCF-style: chr15-68506711-C-G.
Other names: short protein forms E72Q.
Identifiers: ClinVar variation 196481 (VCV000196481.53), dbSNP rs104894483, ClinGen allele CA243442.
Genomic context (GRCh38, chr15:68,214,373, plus strand): 5'-TGACGTTGTAGGCCATGTGGAAGTAGTCCCCAACACTGGGCTTGTTGAGTGGAAACCACT[C>G]GAGAGGGAATACCAGCTGCGGAGCAAATGGAAGAATGGGCTCACCTGGGCACAGCCCCAC-3'
Protein context (NP_060352.1, residues 62-82): RPIAMLVFPL[Glu72Gln]WFPLNKPSVG